The following is an entry in ClinVar:

NM_001098426.2(SMARCD2):c.1240G>A (p.Asp414Asn)

Gene: SMARCD2 (SWI/SNF related BAF chromatin remodeling complex subunit D2; minus strand). Cytogenetic location: 17q23.3.
Variant type: single nucleotide variant.
Coding change: c.1240G>A on transcript NM_001098426.2 (MANE Select); coding-DNA position 1240, G replaced by A.
Protein change: p.Asp414Asn; replaces aspartic acid 414 with asparagine.
Molecular consequence: missense variant.
Genome position (GRCh38, 1-based): chr17:63,833,664, C>T on the plus strand (G>A on the coding strand, the complement: SMARCD2 is on the minus strand). VCF-style: chr17-63833664-C-T. GRCh37 (hg19) VCF-style: chr17-61911024-C-T.
Other names: c.1015G>A, p.Asp339Asn (NM_001330439.1); c.1096G>A, p.Asp366Asn (NM_001330440.2); short protein forms D414N, D339N, D366N.
Identifiers: ClinVar variation 1352854 (VCV001352854.8), dbSNP rs1455805000, ClinGen allele CA400598877.
Genomic context (GRCh38, chr17:63,833,664, plus strand): 5'-CGATCTCCTGCTGATTGGTGGTAGAGGCCAGAAAATTGCTCATTTGGGCCTTCAGTGGGT[C>T]GTCCACCTCCACATCGATGTCGTAACAGGCTGTCTTCTTCTGGTCGTTAGGGTCGACACT-3'
Protein context (NP_001091896.1, residues 404-424): ACYDIDVEVD[Asp414Asn]PLKAQMSNFL

ClinVar aggregate classification (germline): Uncertain significance (1 of 4 stars; one submission).

Allele frequency attached by ClinVar (database versions not stated): gnomAD exomes 0.00001; TOPMed 0.00001.

Submission:

Labcorp Genetics (formerly Invitae), Labcorp
Classification: Uncertain significance. Last evaluated: 2025-10-22. Review status: criteria provided, single submitter. Criteria: Invitae Variant Classification Sherloc (09022015). Collection method: clinical testing. Allele origin: germline.
Comment: This sequence change replaces aspartic acid, which is acidic and polar, with asparagine, which is neutral and polar, at codon 414 of the SMARCD2 protein (p.Asp414Asn). This variant is present in population databases (no rsID available, gnomAD 0.003%). This variant has not been reported in the literature in individuals affected with SMARCD2-related conditions. ClinVar contains an entry for this variant (Variation ID: 1352854). Invitae Evidence Modeling of protein sequence and biophysical properties (such as structural, functional, and spatial information, amino acid conservation, physicochemical variation, residue mobility, and thermodynamic stability) indicates that this missense variant is expected to disrupt SMARCD2 protein function with a positive predictive value of 80%. In summary, the available evidence is currently insufficient to determine the role of this variant in disease. Therefore, it has been classified as a Variant of Uncertain Significance.